The following is an entry in ClinVar:

ClinVar aggregate classification (germline): Uncertain significance (1 of 4 stars; one submission).

Conditions:
Hereditary nonpolyposis colorectal neoplasms. Identifiers: MedGen C0009405, MeSH D003123.

gnomAD v4.1: 1 of 1,614,210 alleles (0.000062%); no homozygotes.

Submission:

Labcorp Genetics (formerly Invitae), Labcorp
Classification: Uncertain significance for Hereditary nonpolyposis colorectal neoplasms. Last evaluated: 2020-08-26. Review status: criteria provided, single submitter. Criteria: Invitae Variant Classification Sherloc (09022015). Collection method: clinical testing. Allele origin: germline.
Comment: This sequence change replaces threonine with proline at codon 569 of the PMS2 protein (p.Thr569Pro). The threonine residue is weakly conserved and there is a small physicochemical difference between threonine and proline. This variant is not present in population databases (ExAC no frequency). This variant has not been reported in the literature in individuals with PMS2-related conditions. Advanced modeling of protein sequence and biophysical properties (such as structural, functional, and spatial information, amino acid conservation, physicochemical variation, residue mobility, and thermodynamic stability) performed at Invitae indicates that this missense variant is not expected to disrupt PMS2 protein function. In summary, the available evidence is currently insufficient to determine the role of this variant in disease. Therefore, it has been classified as a Variant of Uncertain Significance.

NM_000535.7(PMS2):c.1705A>C (p.Thr569Pro)

Gene: PMS2 (PMS1 homolog 2, mismatch repair system component; minus strand). Cytogenetic location: 7p22.1.
Variant type: single nucleotide variant.
Coding change: c.1705A>C on transcript NM_000535.7 (MANE Select); coding-DNA position 1705, A replaced by C.
Protein change: p.Thr569Pro; replaces threonine 569 with proline.
Molecular consequence: missense variant. On other transcripts: non-coding transcript variant (1).
Genome position (GRCh38, 1-based): chr7:5,987,060, T>G on the plus strand (A>C on the coding strand, the complement: PMS2 is on the minus strand). VCF-style: chr7-5987060-T-G. GRCh37 (hg19) VCF-style: chr7-6026691-T-G.
Other names: c.1300A>C, p.Thr434Pro (NM_001322003.2, NM_001322004.2, NM_001322005.2 and 1 more transcripts); c.1549A>C, p.Thr517Pro (NM_001322006.2); c.1387A>C, p.Thr463Pro (NM_001322007.2, NM_001322008.2); c.1144A>C, p.Thr382Pro (NM_001322010.2); c.772A>C, p.Thr258Pro (NM_001322011.2, NM_001322012.2); c.1132A>C, p.Thr378Pro (NM_001322013.2); c.1705A>C, p.Thr569Pro (NM_001322014.2); c.1396A>C, p.Thr466Pro (NM_001322015.2); short protein forms T258P, T378P, T382P, T434P, T463P, T466P, T517P, T569P.
Identifiers: ClinVar variation 1052264 (VCV001052264.9), dbSNP rs762151417, ClinGen allele CA366741126.